The following is an entry in ClinVar:

NM_000077.5(CDKN2A):c.323A>T (p.Asp108Val)

Gene: CDKN2A (cyclin dependent kinase inhibitor 2A; minus strand). Cytogenetic location: 9p21.3.
Variant type: single nucleotide variant.
Coding change: c.323A>T on transcript NM_000077.5; coding-DNA position 323, A replaced by T.
Protein change: p.Asp108Val; replaces aspartic acid 108 with valine.
Molecular consequence: missense variant (on NM_000077.6). On other transcripts: synonymous variant (1), 3 prime UTR variant (1).
Genome position (GRCh38, 1-based): chr9:21,971,036, T>A on the plus strand (A>T on the coding strand, the complement: CDKN2A is on the minus strand). VCF-style: chr9-21971036-T-A. GRCh37 (hg19) VCF-style: chr9-21971035-T-A.
Other names: c.323A>T, p.Asp108Val (NM_000077.6, NM_001195132.2); c.170A>T, p.Asp57Val (NM_001363763.2); c.366A>T, p.Arg122= (NM_058195.4); c.*246A>T (NM_058197.5); short protein forms D108V, D57V.
Identifiers: ClinVar variation 2767690 (VCV002767690.4), dbSNP rs1339792331, ClinGen allele CA373086060.
Genomic context (GRCh38, chr9:21,971,036, plus strand): 5'-CGTGCGACATCGCGATGGCCCAGCTCCTCAGCCAGGTCCACGGGCAGACGGCCCCAGGCA[T>A]CGCGCACGTCCAGCCGCGCCCCGGCCCGGTGCAGCACCACCAGCGTGTCCAGGAAGCCCT-3'
Protein context (NP_000068.1, residues 98-118): HRAGARLDVR[Asp108Val]AWGRLPVDLA

ClinVar aggregate classification (germline): Uncertain significance. Review status: criteria provided, multiple submitters, no conflicts (2 of 4 stars). 2 submissions from 2 submitters: Uncertain significance (2). Last evaluated 2026-08-18.

Conditions:
Hereditary cancer-predisposing syndrome. Also called: Hereditary Cancer Syndrome; Hereditary neoplastic syndrome; Neoplastic Syndromes, Hereditary; Tumor predisposition. Identifiers: Orphanet 140162, MedGen C0027672, MeSH D009386, MONDO:0015356.
Familial melanoma. Also called: Hereditary melanoma; Hereditary cutaneous melanoma. Identifiers: Orphanet 618, MedGen C1512419, MONDO:0018961.

Allele frequency attached by ClinVar (database versions not stated): gnomAD exomes below 0.00001.
gnomAD v4.1: 1 of 1,606,120 alleles (0.000062%); highest among the groups gnomAD compares: Non-Finnish European, 0.000085%; no homozygotes.

Submissions (2):

Ambry Genetics
Classification: Uncertain significance for Hereditary cancer-predisposing syndrome. Last evaluated: 2026-08-18. Review status: criteria provided, single submitter. Criteria: Ambry Variant Classification Scheme 2023. Collection method: clinical testing. Allele origin: germline.
Comment: The p.D108V variant (also known as c.323A>T), located in coding exon 2 of the CDKN2A gene, results from an A to T substitution at nucleotide position 323. The aspartic acid at codon 108 is replaced by valine, an amino acid with highly dissimilar properties. Of note, this variant is also known as c.366A>T (p.R122R) in the p14(ARF) isoform. Other variant(s) at the same codon, p.D108N (c.322G>A), have been identified in individual(s) with features consistent with melanoma-pancreatic cancer syndrome (Flores JF et al. Oncogene. 1997 Dec;15:2999-3005; Aitken J et al. J. Natl. Cancer Inst. 1999 Mar;91:446-52; Bishop DT et al. J. Natl. Cancer Inst. 2002 Jun;94:894-903; Begg CB et al. J. Natl. Cancer Inst. 2005 Oct;97:1507-15; Goldstein AM et al. Cancer Res. 2006 Oct;66:9818-28; Berwick M et al. Cancer Epidemiol. Biomarkers Prev. 2006 Aug;15:1520-5; Orlow I et al. J. Invest. Dermatol. 2007 May;127:1234-43; Goldstein AM et al. J. Med. Genet. 2007 Feb;44:99-106; Huot TJ et al. Mol. Cell. Biol. 2002 Dec;22:8135-43; Miller PJ et al. Hum. Mutat. 2011 Aug;32:900-11). This amino acid position is highly conserved in available vertebrate species. In addition, this alteration is predicted to be deleterious by in silico analysis. Based on the available evidence, the clinical significance of this variant remains unclear.

Labcorp Genetics (formerly Invitae), Labcorp
Classification: Uncertain significance for Familial melanoma. Last evaluated: 2023-10-12. Review status: criteria provided, single submitter. Criteria: Invitae Variant Classification Sherloc (09022015). Collection method: clinical testing. Allele origin: germline.
Comment: This sequence change replaces aspartic acid, which is acidic and polar, with valine, which is neutral and non-polar, at codon 108 of the CDKN2A (p16INK4a) protein (p.Asp108Val). The frequency data for this variant in the population databases is considered unreliable, as metrics indicate poor data quality at this position in the gnomAD database. This variant has not been reported in the literature in individuals affected with CDKN2A (p16INK4a)-related conditions. An algorithm developed to predict the effect of missense changes on protein structure and function (PolyPhen-2) suggests that this variant is likely to be disruptive. This variant disrupts the p.Asp108 amino acid residue in CDKN2A (p16INK4a). Other variant(s) that disrupt this residue have been determined to be pathogenic (PMID: 9416844, 12417717, 16234564, 21462282, 29091774; Invitae). This suggests that this residue is clinically significant, and that variants that disrupt this residue are likely to be disease-causing. In summary, the available evidence is currently insufficient to determine the role of this variant in disease. Therefore, it has been classified as a Variant of Uncertain Significance.

Literature cited by the submitters: PubMed 9416844 (cited by Labcorp Genetics (formerly Invitae), Labcorp); PubMed 12417717 (cited by Labcorp Genetics (formerly Invitae), Labcorp); PubMed 16234564 (cited by Labcorp Genetics (formerly Invitae), Labcorp); PubMed 21462282 (cited by Labcorp Genetics (formerly Invitae), Labcorp); PubMed 29091774 (cited by Labcorp Genetics (formerly Invitae), Labcorp).